The following is an entry in ClinVar:

NM_032607.3(CREB3L3):c.95G>A (p.Arg32Gln)

Gene: CREB3L3 (cAMP responsive element binding protein 3 like 3; plus strand). Cytogenetic location: 19p13.3.
Variant type: single nucleotide variant.
Coding change: c.95G>A on transcript NM_032607.3 (MANE Select); coding-DNA position 95, G replaced by A.
Protein change: p.Arg32Gln; replaces arginine 32 with glutamine.
Molecular consequence: missense variant.
Genome position (GRCh38, 1-based): chr19:4,154,966, G>A. VCF-style: chr19-4154966-G-A. GRCh37 (hg19) VCF-style: chr19-4154963-G-A.
Other names: c.95G>A, p.Arg32Gln (NM_001271995.2, NM_001271996.2, NM_001271997.2); short protein forms R32Q.
Identifiers: ClinVar variation 4234003 (VCV004234003.2).

ClinVar aggregate classification (germline): Uncertain significance. Review status: criteria provided, multiple submitters, no conflicts (2 of 4 stars). 2 submissions from 2 submitters: Uncertain significance (2). Last evaluated 2026-01-21.

gnomAD v4.1: 248 of 1,613,184 alleles (0.015%); highest among the groups gnomAD compares: Non-Finnish European, 0.019%; no homozygotes.

Submissions (2):

Labcorp Genetics (formerly Invitae), Labcorp
Classification: Uncertain significance. Last evaluated: 2026-01-21. Review status: criteria provided, single submitter. Criteria: Invitae Variant Classification Sherloc (09022015). Collection method: clinical testing. Allele origin: germline.
Comment: This sequence change replaces arginine, which is basic and polar, with glutamine, which is neutral and polar, at codon 32 of the CREB3L3 protein (p.Arg32Gln). This variant is present in population databases (rs200917098, gnomAD 0.01%). This variant has not been reported in the literature in individuals affected with CREB3L3-related conditions. ClinVar contains an entry for this variant (Variation ID: 4234003). An algorithm developed to predict the effect of missense changes on protein structure and function outputs the following: PolyPhen-2: "Possibly Damaging". The glutamine amino acid residue is found in multiple mammalian species, which suggests that this missense change does not adversely affect protein function. In summary, the available evidence is currently insufficient to determine the role of this variant in disease. Therefore, it has been classified as a Variant of Uncertain Significance.

Ambry Genetics
Classification: Uncertain significance. Last evaluated: 2025-08-14. Review status: criteria provided, single submitter. Criteria: Ambry Variant Classification Scheme 2023. Collection method: clinical testing. Allele origin: germline.